The following is an entry in ClinVar:

ClinVar aggregate classification (germline): Uncertain significance. Review status: criteria provided, multiple submitters, no conflicts (2 of 4 stars). 3 submissions from 3 submitters: Uncertain significance (3). Last evaluated 2026-02-05.

Conditions:
Inborn genetic diseases. Identifiers: MedGen C0950123, MeSH D030342.

Allele frequency attached by ClinVar (database versions not stated): TOPMed below 0.00001; gnomAD 0.00001; gnomAD exomes 0.00002; 1000 Genomes Project 30x 0.00016; 1000 Genomes Project 0.00020; ExAC 0.00023.
gnomAD v4.1: 30 of 1,538,906 alleles (0.0019%); highest among the groups gnomAD compares: South Asian, 0.034%; no homozygotes.

Submissions (3):

GeneDx
Classification: Uncertain significance. Last evaluated: 2026-02-05. Review status: criteria provided, single submitter. Criteria: GeneDx Variant Classification Process June 2021. Collection method: clinical testing. Allele origin: germline.
Comment: In silico analysis suggests that this missense variant does not alter protein structure/function; Has not been previously published as pathogenic or benign to our knowledge

Ambry Genetics
Classification: Uncertain significance for Inborn genetic diseases. Last evaluated: 2025-08-05. Review status: criteria provided, single submitter. Criteria: Ambry Variant Classification Scheme 2023. Collection method: clinical testing. Allele origin: germline.

Labcorp Genetics (formerly Invitae), Labcorp
Classification: Uncertain significance. Last evaluated: 2024-03-31. Review status: criteria provided, single submitter. Criteria: Invitae Variant Classification Sherloc (09022015). Collection method: clinical testing. Allele origin: germline.
Comment: This sequence change replaces serine, which is neutral and polar, with glycine, which is neutral and non-polar, at codon 327 of the PDZD7 protein (p.Ser327Gly). This variant is present in population databases (rs564914977, gnomAD 0.04%). This variant has not been reported in the literature in individuals affected with PDZD7-related conditions. ClinVar contains an entry for this variant (Variation ID: 1980333). Advanced modeling of protein sequence and biophysical properties (such as structural, functional, and spatial information, amino acid conservation, physicochemical variation, residue mobility, and thermodynamic stability) performed at Invitae indicates that this missense variant is not expected to disrupt PDZD7 protein function with a negative predictive value of 80%. In summary, the available evidence is currently insufficient to determine the role of this variant in disease. Therefore, it has been classified as a Variant of Uncertain Significance.

NM_001195263.2(PDZD7):c.979A>G (p.Ser327Gly)

Gene: PDZD7 (PDZ domain containing 7; minus strand). Cytogenetic location: 10q24.31.
Variant type: single nucleotide variant.
Coding change: c.979A>G on transcript NM_001195263.2 (MANE Select); coding-DNA position 979, A replaced by G.
Protein change: p.Ser327Gly; replaces serine 327 with glycine.
Molecular consequence: missense variant.
Genome position (GRCh38, 1-based): chr10:101,019,167, T>C on the plus strand (A>G on the coding strand, the complement: PDZD7 is on the minus strand). VCF-style: chr10-101019167-T-C. GRCh37 (hg19) VCF-style: chr10-102778924-T-C.
Other names: c.979A>G, p.Ser327Gly (NM_001351044.2, NM_024895.5); c.979A>G (NM_001195263.1); short protein forms S327G.
Identifiers: ClinVar variation 1980333 (VCV001980333.5), dbSNP rs564914977, ClinGen allele CA5654189.